The following is an entry in ClinVar:

NM_000383.4(AIRE):c.946C>G (p.Arg316Gly)

Gene: AIRE (autoimmune regulator; plus strand). Cytogenetic location: 21q22.3.
Variant type: single nucleotide variant.
Coding change: c.946C>G on transcript NM_000383.4 (MANE Select); coding-DNA position 946, C replaced by G.
Protein change: p.Arg316Gly; replaces arginine 316 with glycine.
Molecular consequence: missense variant.
Genome position (GRCh38, 1-based): chr21:44,291,161, C>G. VCF-style: chr21-44291161-C-G. GRCh37 (hg19) VCF-style: chr21-45711044-C-G.
Other names: short protein forms R316G.
Identifiers: ClinVar variation 2084073 (VCV002084073.1), dbSNP rs139874934, ClinGen allele CA10051862.

ClinVar aggregate classification (germline): Uncertain significance (1 of 4 stars; one submission).

Conditions:
Polyglandular autoimmune syndrome, type 1 (APS1). Also called: Whitaker syndrome; AUTOIMMUNE POLYENDOCRINE SYNDROME, TYPE I, WITH OR WITHOUT REVERSIBLE METAPHYSEAL DYSPLASIA; APS I; Autoimmune polyendocrinopathy syndrome, type I; Autoimmune polyendocrinopathy syndrome , type I, with or without reversible metaphyseal dysplasia; PGA I. Identifiers: Orphanet 3453, MedGen C0085859, MONDO:0009411, OMIM 240300.

gnomAD v4.1: 8 of 1,609,074 alleles (0.0005%); highest among the groups gnomAD compares: Non-Finnish European, 0.00068%; no homozygotes.

Submission:

Labcorp Genetics (formerly Invitae), Labcorp
Classification: Uncertain significance for Polyglandular autoimmune syndrome, type 1. Last evaluated: 2022-08-15. Review status: criteria provided, single submitter. Criteria: Invitae Variant Classification Sherloc (09022015). Collection method: clinical testing. Allele origin: germline.
Comment: This sequence change replaces arginine, which is basic and polar, with glycine, which is neutral and non-polar, at codon 316 of the AIRE protein (p.Arg316Gly). This variant is present in population databases (rs139874934, gnomAD 0.0009%). This variant has not been reported in the literature in individuals affected with AIRE-related conditions. Advanced modeling of protein sequence and biophysical properties (such as structural, functional, and spatial information, amino acid conservation, physicochemical variation, residue mobility, and thermodynamic stability) performed at Invitae indicates that this missense variant is expected to disrupt AIRE protein function. In summary, the available evidence is currently insufficient to determine the role of this variant in disease. Therefore, it has been classified as a Variant of Uncertain Significance.